The following is an entry in ClinVar:

ClinVar aggregate classification (germline): Uncertain significance (1 of 4 stars; one submission).

Allele frequency attached by ClinVar (database versions not stated): gnomAD exomes below 0.00001 and 0.00002; ExAC 0.00001; gnomAD 0.00001.
gnomAD v4.1: 33 of 1,572,952 alleles (0.0021%); highest among the groups gnomAD compares: Non-Finnish European, 0.0025%; no homozygotes.

Submission:

Labcorp Genetics (formerly Invitae), Labcorp
Classification: Uncertain significance. Last evaluated: 2021-10-13. Review status: criteria provided, single submitter. Criteria: Invitae Variant Classification Sherloc (09022015). Collection method: clinical testing. Allele origin: germline.
Comment: In summary, the available evidence is currently insufficient to determine the role of this variant in disease. Therefore, it has been classified as a Variant of Uncertain Significance. Algorithms developed to predict the effect of missense changes on protein structure and function are either unavailable or do not agree on the potential impact of this missense change (SIFT: "Tolerated"; PolyPhen-2: "Possibly Damaging"; Align-GVGD: "Class C0"). This variant has not been reported in the literature in individuals affected with C5-related conditions. This variant is present in population databases (rs748797024, ExAC 0.002%). This sequence change replaces alanine with serine at codon 83 of the C5 protein (p.Ala83Ser). The alanine residue is moderately conserved and there is a moderate physicochemical difference between alanine and serine.

NM_001735.3(C5):c.247G>T (p.Ala83Ser)

Gene: C5 (complement C5; minus strand). Cytogenetic location: 9q33.2.
Variant type: single nucleotide variant.
Coding change: c.247G>T on transcript NM_001735.3 (MANE Select); coding-DNA position 247, G replaced by T.
Protein change: p.Ala83Ser; replaces alanine 83 with serine.
Molecular consequence: missense variant.
Genome position (GRCh38, 1-based): chr9:121,046,202, C>A on the plus strand (G>T on the coding strand, the complement: C5 is on the minus strand). VCF-style: chr9-121046202-C-A. GRCh37 (hg19) VCF-style: chr9-123808480-C-A.
Other names: c.265G>T, p.Ala89Ser (NM_001317163.2); c.247G>T, p.Ala83Ser (NM_001317164.2); short protein forms A89S, A83S.
Identifiers: ClinVar variation 1348458 (VCV001348458.4), dbSNP rs748797024, ClinGen allele CA5218451.